The following is an entry in ClinVar:

ClinVar aggregate classification (germline): Conflicting classifications of pathogenicity. Review status: criteria provided, conflicting classifications (1 of 4 stars). 8 submissions from 7 submitters: Pathogenic (2); Likely pathogenic (3); Uncertain significance (1). 2 of the submissions do not count toward it. Last evaluated 2026-09-03.

Conditions:
Rare anaemia.
Pyropoikilocytosis, hereditary. Also called: Pyropoikilocytosis. Identifiers: MedGen C0520739, MONDO:0009948, OMIM 266140, HP:0004839. Disease mechanism: loss of function.
Elliptocytosis 2 (EL2). Also called: ELLIPTOCYTOSIS, RHESUS-UNLINKED TYPE. Identifiers: Orphanet 288, MedGen C1851741, MONDO:0007533, OMIM 130600.

Allele frequency attached by ClinVar (database versions not stated): gnomAD exomes 0.00002 and 0.00006; ExAC 0.00008; TOPMed 0.00014; gnomAD 0.00019 and 0.00020; 1000 Genomes Project 0.00060; 1000 Genomes Project 30x 0.00078.

Submissions (8):

North West Genomic Laboratory Hub, Manchester University NHS Foundation Trust
Classification: Likely pathogenic for Rare anaemia. Last evaluated: 2026-09-03. Review status: criteria provided, single submitter. Criteria: ACGS Best Practice Guidelines for Variant Classification in Rare Disease 2024. Collection method: clinical testing. Allele origin: germline. Affected: yes.
Comment: PM3_Str PM2_Mod

GeneDx
Classification: Likely pathogenic. Last evaluated: 2025-04-08. Review status: criteria provided, single submitter. Criteria: GeneDx Variant Classification Process June 2021. Collection method: clinical testing. Allele origin: germline. Affected: yes.
Comment: Often seen in cis with the common alpha-LELY allele (PMID: 8068958, 18815189); Also known as spectrin St Louis (PMID: 8068958); In silico analysis supports that this missense variant has a deleterious effect on protein structure/function; This variant is associated with the following publications: (PMID: 23241237, 8857939, 1541680, 8444470, 18815189, 16150946, 8068958, 8844207, 16730867)

Labcorp Genetics (formerly Invitae), Labcorp
Classification: Uncertain significance. Last evaluated: 2025-02-19. Review status: criteria provided, single submitter. Criteria: Invitae Variant Classification Sherloc (09022015). Collection method: clinical testing. Allele origin: germline.
Comment: This sequence change replaces leucine, which is neutral and non-polar, with proline, which is neutral and non-polar, at codon 207 of the SPTA1 protein (p.Leu207Pro). This variant is present in population databases (rs121918643, gnomAD 0.08%). This missense change has been observed in individual(s) with spherocytosis or pyropoikilocytosis (PMID: 1541680, 8068958, 8444470, 8857939, 18815189). ClinVar contains an entry for this variant (Variation ID: 12857). Invitae Evidence Modeling of protein sequence and biophysical properties (such as structural, functional, and spatial information, amino acid conservation, physicochemical variation, residue mobility, and thermodynamic stability) indicates that this missense variant is expected to disrupt SPTA1 protein function with a positive predictive value of 80%. In summary, the available evidence is currently insufficient to determine the role of this variant in disease. Therefore, it has been classified as a Variant of Uncertain Significance.

Revvity Omics, Revvity
Classification: Likely pathogenic. Last evaluated: 2024-11-18. Review status: criteria provided, single submitter. Criteria: ACMG Guidelines, 2015. Collection method: clinical testing. Allele origin: germline.

Mayo Clinic Laboratories, Mayo Clinic
Classification: Pathogenic. Last evaluated: 2024-07-11. Review status: criteria provided, single submitter. Criteria: ACMG Guidelines, 2015. Collection method: clinical testing. Allele origin: germline.

ARUP Laboratories, Molecular Genetics and Genomics, ARUP Laboratories
Classification: Pathogenic. Last evaluated: 2023-11-03. Review status: criteria provided, single submitter. Criteria: ARUP Molecular Germline Variant Investigation Process 2024. Collection method: clinical testing. Allele origin: germline.
Comment: The SPTA1 c.620T>C; p.Leu207Pro variant (rs121918643), also known as Spectrin Saint Louis, is reported in the literature as a homozygous and compound heterozygous variant in at least nine individuals affected with either elliptocytosis or hereditary pyropoikilocytosis (Costa 2005, Dalla Venezia 1993, Gallagher 1992, Glele-Kakai 1996). This variant is also reported in ClinVar (Variation ID: 12857). In vitro functional analyses demonstrate reduced protein folding and dimerization (Randles 2013). This variant is found in the African / African-American population with an allele frequency of 0.07% (52/75,030 alleles) in the Genome Aggregation Database. Computational analyses are uncertain whether this variant is neutral or deleterious (REVEL: 0.622). Based on available information, this variant is considered to be pathogenic. REFERENCES Costa DB et al. A novel splicing mutation of the alpha-spectrin gene in the original hereditary pyropoikilocytosis kindred. Blood. 2005 Dec 15. PMID: 16150946 Dalla Venezia N et al. An alpha-spectrin mutation responsible for hereditary elliptocytosis associated in cis with the alpha v/41 polymorphism. Hum Genet. 1993 Feb. PMID: 8444470 Gallagher PG et al. A common type of the spectrin alpha I 46-50a-kD peptide abnormality in hereditary elliptocytosis and pyropoikilocytosis is associated with a mutation distant from the proteolytic cleavage site. Evidence for the functional importance of the triple helical model of spectrin. J Clin Invest. 1992 Mar. PMID: 1541680 Glele-Kakai C et al. Epidemiological studies of spectrin mutations related to hereditary elliptocytosis and spectrin polymorphisms in Benin. Br J Haematol. 1996 Oct. PMID: 8857939 Randles LG et al. Understanding pathogenic single-nucleotide polymorphisms in multidomain proteins--studies of isolated domains are not enough. FEBS J. 2013 Feb. PMID: 23241237

OMIM
Classification: Pathogenic for PYROPOIKILOCYTOSIS, HEREDITARY. Last evaluated: 2005-12-15. Review status: no assertion criteria provided. Collection method: literature only. Allele origin: germline. Not counted in ClinVar's aggregate classification.

OMIM
Classification: Pathogenic for ELLIPTOCYTOSIS 2. Last evaluated: 2005-12-15. Review status: no assertion criteria provided. Collection method: literature only. Allele origin: germline. Not counted in ClinVar's aggregate classification.

Literature cited by the submitters: PubMed 1541680 (cited by 3 submitters); PubMed 8068958 (cited by Labcorp Genetics (formerly Invitae), Labcorp and Mayo Clinic Laboratories, Mayo Clinic); PubMed 8444470 (cited by 3 submitters); PubMed 8857939 (cited by Labcorp Genetics (formerly Invitae), Labcorp and Mayo Clinic Laboratories, Mayo Clinic); PubMed 18815189 (cited by Labcorp Genetics (formerly Invitae), Labcorp and Mayo Clinic Laboratories, Mayo Clinic); PubMed 1191563 (cited by Mayo Clinic Laboratories, Mayo Clinic and OMIM); PubMed 16150946 (cited by OMIM).

NM_003126.4(SPTA1):c.620T>C (p.Leu207Pro)

Gene: SPTA1 (spectrin alpha, erythrocytic 1; minus strand). Cytogenetic location: 1q23.1.
Variant type: single nucleotide variant.
Coding change: c.620T>C on transcript NM_003126.4 (MANE Select); coding-DNA position 620, T replaced by C.
Protein change: p.Leu207Pro; replaces leucine 207 with proline.
Molecular consequence: missense variant.
Genome position (GRCh38, 1-based): chr1:158,680,641, A>G on the plus strand (T>C on the coding strand, the complement: SPTA1 is on the minus strand). VCF-style: chr1-158680641-A-G. GRCh37 (hg19) VCF-style: chr1-158650431-A-G.
Other names: short protein forms L207P.
Identifiers: ClinVar variation 12857 (VCV000012857.32), dbSNP rs121918643, ClinGen allele CA122760.